The following is an entry in ClinVar:

ClinVar aggregate classification (germline): Conflicting classifications of pathogenicity. Review status: criteria provided, conflicting classifications (1 of 4 stars). 2 submissions from 2 submitters: Uncertain significance (1); Likely benign (1). Last evaluated 2025-11-18.

Conditions:
Cardiomyopathy (CMYO). Also called: Cardiomyopathies. Identifiers: Orphanet 167848, MedGen C0878544, MONDO:0004994, HP:0001638. Inheritance: Various modes of inheritance.
Arrhythmogenic cardiomyopathy with wooly hair and keratoderma. Also called: Dilated cardiomyopathy with woolly hair and keratoderma; Carvajal syndrome; PALMOPLANTAR KERATODERMA WITH LEFT VENTRICULAR CARDIOMYOPATHY AND WOOLLY HAIR; Arrhythmogenic cardiomyopathy with woolly hair and keratoderma. Identifiers: Orphanet 65282, MedGen C1854063, MONDO:0011581, OMIM 605676.
Arrhythmogenic right ventricular dysplasia 8 (ARVD8). Also called: Arrhythmogenic Right Ventricular Dysplasia/Cardiomyopathy 8; ARRHYTHMOGENIC RIGHT VENTRICULAR DYSPLASIA, FAMILIAL, 8; ARRHYTHMOGENIC RIGHT VENTRICULAR CARDIOMYOPATHY 8. Identifiers: MedGen C1843896, MONDO:0011831, OMIM 607450.

Allele frequency attached by ClinVar (database versions not stated): gnomAD exomes below 0.00001 and 0.00001; ExAC 0.00001; TOPMed 0.00002; gnomAD 0.00003; ESP Exome Variant Server 0.00008.
gnomAD v4.1: 7 of 1,613,842 alleles (0.00043%); highest among the groups gnomAD compares: African/African-American, 0.0093%; no homozygotes.

Submissions (2):

Labcorp Genetics (formerly Invitae), Labcorp
Classification: Likely benign for Arrhythmogenic cardiomyopathy with wooly hair and keratoderma; Arrhythmogenic right ventricular dysplasia 8. Last evaluated: 2025-11-18. Review status: criteria provided, single submitter. Criteria: Invitae Variant Classification Sherloc (09022015). Collection method: clinical testing. Allele origin: germline.

Color Diagnostics, LLC DBA Color Health
Classification: Uncertain significance for Cardiomyopathy. Last evaluated: 2023-06-20. Review status: criteria provided, single submitter. Criteria: ACMG Guidelines, 2015. Collection method: clinical testing. Allele origin: germline.
Comment: This variant causes an A to T nucleotide substitution at the -14 position of intron 10 of the DSP gene. To our knowledge, functional studies have not been reported for this variant. This variant has not been reported in individuals affected with DSP-related disorders in the literature. This variant has been identified in 3/282542 chromosomes in the general population by the Genome Aggregation Database (gnomAD). The available evidence is insufficient to determine the role of this variant in disease conclusively. Therefore, this variant is classified as a Variant of Uncertain Significance.

NM_004415.4(DSP):c.1267-14A>T

Gene: DSP (desmoplakin; plus strand). Cytogenetic location: 6p24.3.
Variant type: single nucleotide variant.
Coding change: c.1267-14A>T on transcript NM_004415.4 (MANE Select); 14 bases into the intron before coding-DNA position 1267, A replaced by T.
Molecular consequence: intron variant.
Genome position (GRCh38, 1-based): chr6:7,568,423, A>T. VCF-style: chr6-7568423-A-T. GRCh37 (hg19) VCF-style: chr6-7568656-A-T.
Other names: c.1267-14A>T (NM_001319034.2, NM_001008844.3).
Identifiers: ClinVar variation 1556350 (VCV001556350.10), dbSNP rs374439921, ClinGen allele CA027359.